The following is an entry in ClinVar:

NM_001242896.3(DEPDC5):c.3486-1G>C

Gene: DEPDC5 (DEP domain containing 5, GATOR1 subcomplex subunit; plus strand). Cytogenetic location: 22q12.3.
Variant type: single nucleotide variant.
Coding change: c.3486-1G>C on transcript NM_001242896.3 (MANE Select); the canonical splice acceptor site of the intron before coding-DNA position 3486, G replaced by C.
Molecular consequence: splice acceptor variant. On other transcripts: non-coding transcript variant (1).
Genome position (GRCh38, 1-based): chr22:31,873,254, G>C. VCF-style: chr22-31873254-G-C. GRCh37 (hg19) VCF-style: chr22-32269240-G-C.
Other names: c.3486-1G>C (NM_001364318.2); c.3459-1G>C (NM_001136029.4); c.3393-1G>C (NM_014662.6, NM_001369903.1); c.3420-1G>C (NM_001363852.2, NM_001364320.2); c.3252-1G>C (NM_001363854.2, NM_001364319.2); c.3186-1G>C (NM_001242897.2); c.3402-1G>C (NM_001369902.1, NM_001369901.1).
Identifiers: ClinVar variation 2087390 (VCV002087390.4), dbSNP rs2522341176, ClinGen allele CA411277168.

ClinVar aggregate classification (germline): Likely pathogenic (1 of 4 stars; one submission).

Conditions:
Familial focal epilepsy with variable foci (FPEVF). Identifiers: Orphanet 98820, MedGen C1858477, MONDO:0020310.

Submission:

Labcorp Genetics (formerly Invitae), Labcorp
Classification: Likely pathogenic for Familial focal epilepsy with variable foci. Last evaluated: 2022-01-17. Review status: criteria provided, single submitter. Criteria: Invitae Variant Classification Sherloc (09022015). Collection method: clinical testing. Allele origin: germline.
Comment: In summary, the currently available evidence indicates that the variant is pathogenic, but additional data are needed to prove that conclusively. Therefore, this variant has been classified as Likely Pathogenic. Algorithms developed to predict the effect of sequence changes on RNA splicing suggest that this variant may disrupt the consensus splice site. This variant has not been reported in the literature in individuals affected with DEPDC5-related conditions. This variant is not present in population databases (gnomAD no frequency). This sequence change affects an acceptor splice site in intron 34 of the DEPDC5 gene. It is expected to disrupt RNA splicing. Variants that disrupt the donor or acceptor splice site typically lead to a loss of protein function (PMID: 16199547), and loss-of-function variants in DEPDC5 are known to be pathogenic (PMID: 23542697, 23542701).

Literature cited by the submitters: PubMed 16199547; PubMed 23542697; PubMed 23542701.